The following is an entry in ClinVar:

NM_182760.4(SUMF1):c.1056C>G (p.Asn352Lys)

Gene: SUMF1 (sulfatase modifying factor 1; minus strand). Cytogenetic location: 3p26.1.
Variant type: single nucleotide variant.
Coding change: c.1056C>G on transcript NM_182760.4 (MANE Select); coding-DNA position 1056, C replaced by G.
Protein change: p.Asn352Lys; replaces asparagine 352 with lysine.
Molecular consequence: missense variant.
Genome position (GRCh38, 1-based): chr3:4,362,213, G>C on the plus strand (C>G on the coding strand, the complement: SUMF1 is on the minus strand). VCF-style: chr3-4362213-G-C. GRCh37 (hg19) VCF-style: chr3-4403897-G-C.
Other names: c.981C>G, p.Asn327Lys (NM_001164674.2); c.996C>G, p.Asn332Lys (NM_001164675.2); short protein forms N352K, N332K, N327K.
Identifiers: ClinVar variation 2161926 (VCV002161926.1), dbSNP rs376126385, ClinGen allele CA2230327.
Genomic context (GRCh38, chr3:4,362,213, plus strand): 5'-AGTGGGCAGGCGGTCGGCTGCACAGCGGAATCCCAGATTCGAAGCAGAGCTATCAGGTGT[G>C]TTCTGGCTCCGAGCAGCACAGCGATACCTGTAACAATAAGACTGTGTAGAGAGAAAGAGC-3'
Protein context (NP_877437.2, residues 342-362): YRYRCAARSQ[Asn352Lys]TPDSSASNLG

ClinVar aggregate classification (germline): Uncertain significance (1 of 4 stars; one submission).

Conditions:
Multiple sulfatase deficiency (MSD). Also called: Multiple Sulfatase Deficiency Disease; Sulfatidosis, Juvenile, Austin Type; Mucosulfatidosis. Identifiers: Orphanet 585, MedGen C0268263, MONDO:0010088, OMIM 272200.

Allele frequency attached by ClinVar (database versions not stated): ExAC 0.00001; gnomAD exomes 0.00001; ESP Exome Variant Server 0.00008.
gnomAD v4.1: 14 of 1,614,082 alleles (0.00087%); highest among the groups gnomAD compares: Non-Finnish European, 0.0012%; no homozygotes.

Submission:

Labcorp Genetics (formerly Invitae), Labcorp
Classification: Uncertain significance for Multiple sulfatase deficiency. Last evaluated: 2021-08-28. Review status: criteria provided, single submitter. Criteria: Invitae Variant Classification Sherloc (09022015). Collection method: clinical testing. Allele origin: germline.
Comment: This sequence change replaces asparagine with lysine at codon 352 of the SUMF1 protein (p.Asn352Lys). The asparagine residue is highly conserved and there is a moderate physicochemical difference between asparagine and lysine. This variant is present in population databases (rs376126385, ExAC 0.001%). This variant has not been reported in the literature in individuals affected with SUMF1-related conditions. Algorithms developed to predict the effect of missense changes on protein structure and function are either unavailable or do not agree on the potential impact of this missense change (SIFT: "Deleterious"; PolyPhen-2: "Probably Damaging"; Align-GVGD: "Class C0"). In summary, the available evidence is currently insufficient to determine the role of this variant in disease. Therefore, it has been classified as a Variant of Uncertain Significance.